The following is an entry in ClinVar:

ClinVar aggregate classification (germline): Uncertain significance (1 of 4 stars; one submission).

Conditions:
Angelman syndrome-like. Identifiers: MedGen CN128785.
Developmental and epileptic encephalopathy, 2 (DEE2). Also called: INFANTILE SPASM SYNDROME, X-LINKED 2; CDKL5 deficiency disorder. Identifiers: Orphanet 1934, Orphanet 3451, Orphanet 505652, MedGen C4750718, MONDO:0010396, OMIM 300672.

Submission:

Labcorp Genetics (formerly Invitae), Labcorp
Classification: Uncertain significance for Developmental and epileptic encephalopathy, 2; Angelman syndrome-like. Last evaluated: 2022-02-04. Review status: criteria provided, single submitter. Criteria: Invitae Variant Classification Sherloc (09022015). Collection method: clinical testing. Allele origin: germline.
Comment: Experimental studies and prediction algorithms are not available or were not evaluated, and the functional significance of this variant is currently unknown. This variant has not been reported in the literature in individuals affected with CDKL5-related conditions. This variant results in a copy number gain of the genomic region encompassing exon(s) 2-11 of the CDKL5 gene. This region includes the initiator codon of the gene. This copy number gain extends beyond the assayed region for this gene and therefore may encompass additional genes. As the precise location of this event is unknown, it may be in tandem or it may be located elsewhere in the genome. In summary, the available evidence is currently insufficient to determine the role of this variant in disease. Therefore, it has been classified as a Variant of Uncertain Significance.

NC_000023.10:g.(?_18525053)_(18616753_?)dup

Gene: CDKL5 (cyclin dependent kinase like 5; plus strand). Cytogenetic location: Xp22.13.
Variant type: Duplication.
Identifiers: ClinVar variation 1443473 (VCV001443473.7).